The following is an entry in ClinVar:

NM_006642.5(SDCCAG8):c.986C>T (p.Thr329Met)

Gene: SDCCAG8 (SHH signaling and ciliogenesis regulator SDCCAG8; plus strand). Cytogenetic location: 1q43.
Variant type: single nucleotide variant.
Coding change: c.986C>T on transcript NM_006642.5 (MANE Select); coding-DNA position 986, C replaced by T.
Protein change: p.Thr329Met; replaces threonine 329 with methionine.
Molecular consequence: missense variant.
Genome position (GRCh38, 1-based): chr1:243,316,811, C>T. VCF-style: chr1-243316811-C-T. GRCh37 (hg19) VCF-style: chr1-243480113-C-T.
Other names: c.83C>T, p.Thr28Met (NM_001350246.2, NM_001350247.2, NM_001350251.2); c.1082C>T, p.Thr361Met (NM_001350248.2); c.692C>T, p.Thr231Met (NM_001350249.2); short protein forms T329M, T231M, T361M, T28M.
Identifiers: ClinVar variation 296911 (VCV000296911.22), dbSNP rs35859404, ClinGen allele CA1483509.

ClinVar aggregate classification (germline): Benign/Likely benign. Review status: criteria provided, multiple submitters, no conflicts (2 of 4 stars). 7 submissions from 6 submitters: Benign (2); Likely benign (4). 1 of the submissions does not count toward it. Last evaluated 2026-01-26.

Conditions:
Bardet-Biedl syndrome 16 (BBS16). Identifiers: Orphanet 110, MedGen C3889474, MONDO:0014444, OMIM 615993.
Senior-Loken syndrome 7 (SLSN7). Identifiers: Orphanet 3156, MedGen C3150877, MONDO:0013326, OMIM 613615.
SDCCAG8-related disorder. Also called: SDCCAG8-Related Disorders; SDCCAG8-related condition.

Allele frequency attached by ClinVar (database versions not stated): gnomAD exomes 0.00075; ExAC 0.00090; gnomAD 0.00319 and 0.00342; TOPMed 0.00320; 1000 Genomes Project 0.00339; ESP Exome Variant Server 0.00346; 1000 Genomes Project 30x 0.00359.
gnomAD v4.1: 924 of 1,614,020 alleles (0.057%); highest among the groups gnomAD compares: African/African-American, 1.1%; 2 homozygotes.

Submissions (7):

Labcorp Genetics (formerly Invitae), Labcorp
Classification: Benign for Bardet-Biedl syndrome 16; Senior-Loken syndrome 7. Last evaluated: 2026-01-26. Review status: criteria provided, single submitter. Criteria: Invitae Variant Classification Sherloc (09022015). Collection method: clinical testing. Allele origin: germline.

Blueprint Genetics
Classification: Likely benign. Last evaluated: 2023-12-14. Review status: criteria provided, single submitter. Criteria: ACMG Guidelines, 2015. Collection method: clinical testing. Allele origin: germline.

Genetic Services Laboratory, University of Chicago
Classification: Benign. Last evaluated: 2018-09-27. Review status: criteria provided, single submitter. Criteria: ACMG Guidelines, 2015. Collection method: clinical testing. Allele origin: germline. Affected: no.

Illumina Laboratory Services, Illumina
Classification: Likely benign for Bardet-Biedl syndrome 16. Last evaluated: 2018-01-12. Review status: criteria provided, single submitter. Criteria: ICSL Variant Classification Criteria 13 December 2019. Collection method: clinical testing. Allele origin: germline.
Comment: This variant was observed in the ICSL laboratory as part of a predisposition screen in an ostensibly healthy population. It had not been previously curated by ICSL or reported in the Human Gene Mutation Database (HGMD: prior to June 1st, 2018), and was therefore a candidate for classification through an automated scoring system. Utilizing variant allele frequency, disease prevalence and penetrance estimates, and inheritance mode, an automated score was calculated to assess if this variant is too frequent to cause the disease. Based on the score and internal cut-off values, a variant classified as likely benign is not then subjected to further curation. The score for this variant resulted in a classification of likely benign for this disease.

Illumina Laboratory Services, Illumina
Classification: Likely benign for Senior-Loken syndrome 7. Last evaluated: 2018-01-12. Review status: criteria provided, single submitter. Criteria: ICSL Variant Classification Criteria 13 December 2019. Collection method: clinical testing. Allele origin: germline.
Comment: the same text as in the submission from Illumina Laboratory Services, Illumina above.

Breakthrough Genomics
Classification: Likely benign. Review status: criteria provided, single submitter. Criteria: ACMG Guidelines, 2015. Collection method: not provided. Allele origin: germline. Inheritance: Autosomal recessive inheritance. Affected: yes.

PreventionGenetics, part of Exact Sciences
Classification: Benign for SDCCAG8-related condition. Last evaluated: 2019-08-07. Review status: no assertion criteria provided. Collection method: clinical testing. Allele origin: germline. Not counted in ClinVar's aggregate classification.
Comment: This variant is classified as benign based on ACMG/AMP sequence variant interpretation guidelines (Richards et al. 2015 PMID: 25741868, with internal and published modifications).